The following is an entry in ClinVar:

NC_000008.10:g.(?_30938363)_(30941305_?)del

Gene: WRN (WRN RecQ like helicase; plus strand). Cytogenetic location: 8p12.
Variant type: Deletion.
Identifiers: ClinVar variation 3245421 (VCV003245421.1).

ClinVar aggregate classification (germline): Pathogenic (1 of 4 stars; one submission).

Conditions:
Werner syndrome (WRN). Identifiers: Orphanet 902, MedGen C0043119, MONDO:0010196, OMIM 277700.

Submission:

Labcorp Genetics (formerly Invitae), Labcorp
Classification: Pathogenic for Werner syndrome. Last evaluated: 2023-09-03. Review status: criteria provided, single submitter. Criteria: Invitae Variant Classification Sherloc (09022015). Collection method: clinical testing. Allele origin: unknown.
Comment: For these reasons, this variant has been classified as Pathogenic. This variant has not been reported in the literature in individuals affected with WRN-related conditions. This variant is a gross deletion of the genomic region encompassing exon(s) 9-10 of the WRN gene. This deletion is out-of-frame, and is expected to create a premature termination codon and result in an absent or disrupted protein product. Loss-of-function variants in WRN are known to be pathogenic (PMID: 16673358).

Literature cited by the submitters: PubMed 16673358.